The following is an entry in ClinVar:

NM_006389.5(HYOU1):c.2749C>T (p.Arg917Trp)

Gene: HYOU1 (hypoxia up-regulated 1; minus strand). Cytogenetic location: 11q23.3.
Variant type: single nucleotide variant.
Coding change: c.2749C>T on transcript NM_006389.5 (MANE Select); coding-DNA position 2749, C replaced by T.
Protein change: p.Arg917Trp; replaces arginine 917 with tryptophan.
Molecular consequence: missense variant.
Genome position (GRCh38, 1-based): chr11:119,046,649, G>A on the plus strand (C>T on the coding strand, the complement: HYOU1 is on the minus strand). VCF-style: chr11-119046649-G-A. GRCh37 (hg19) VCF-style: chr11-118917361-G-A.
Other names: c.2749C>T, p.Arg917Trp (NM_001130991.3, NM_001411041.1); short protein forms R917W.
Identifiers: ClinVar variation 4800031 (VCV004800031.1).
Genomic context (GRCh38, chr11:119,046,649, plus strand): 5'-GGTCACTGGCACTGGCATTGAGGGGTGGCTCTGCCCGGGTCCCATTCTTGTCCTTAGGCC[G>A]GGGCCGGGGCTTGGTAAACTTGGCCTTATTGAGCAGATACTGCACCTCTCGGTCCAGGGC-3'
Protein context (NP_006380.1, residues 907-927): NKAKFTKPRP[Arg917Trp]PKDKNGTRAE

ClinVar aggregate classification (germline): Uncertain significance (1 of 4 stars; one submission).

Submission:

Labcorp Genetics (formerly Invitae), Labcorp
Classification: Uncertain significance. Last evaluated: 2025-10-08. Review status: criteria provided, single submitter. Criteria: Invitae Variant Classification Sherloc (09022015). Collection method: clinical testing. Allele origin: germline.
Comment: This sequence change replaces arginine, which is basic and polar, with tryptophan, which is neutral and slightly polar, at codon 917 of the HYOU1 protein (p.Arg917Trp). This variant is present in population databases (rs200784367, gnomAD 0.003%). This variant has not been reported in the literature in individuals affected with HYOU1-related conditions. Experimental studies and prediction algorithms are not available or were not evaluated, and the functional significance of this variant is currently unknown. In summary, the available evidence is currently insufficient to determine the role of this variant in disease. Therefore, it has been classified as a Variant of Uncertain Significance.